The following is an entry in ClinVar:

NM_018124.4(RFWD3):c.2291C>T (p.Thr764Ile)

Gene: RFWD3 (ring finger and WD repeat domain 3; minus strand). Cytogenetic location: 16q23.1.
Variant type: single nucleotide variant.
Coding change: c.2291C>T on transcript NM_018124.4 (MANE Select); coding-DNA position 2291, C replaced by T.
Protein change: p.Thr764Ile; replaces threonine 764 with isoleucine.
Molecular consequence: missense variant.
Genome position (GRCh38, 1-based): chr16:74,623,962, G>A on the plus strand (C>T on the coding strand, the complement: RFWD3 is on the minus strand). VCF-style: chr16-74623962-G-A. GRCh37 (hg19) VCF-style: chr16-74657860-G-A.
Other names: c.2291C>T, p.Thr764Ile (NM_001370534.1, NM_001370535.1); c.2114C>T, p.Thr705Ile (NM_001370536.1); c.1457C>T, p.Thr486Ile (NM_001370537.1, NM_001370539.1, NM_001370540.1 and 2 more transcripts); short protein forms T486I, T705I, T764I.
Identifiers: ClinVar variation 4811938 (VCV004811938.1).

ClinVar aggregate classification (germline): Uncertain significance (1 of 4 stars; one submission).

gnomAD v4.1: 6 of 1,614,138 alleles (0.00037%); highest among the groups gnomAD compares: African/African-American, 0.0027%; no homozygotes.

Submission:

Labcorp Genetics (formerly Invitae), Labcorp
Classification: Uncertain significance. Last evaluated: 2025-05-01. Review status: criteria provided, single submitter. Criteria: Invitae Variant Classification Sherloc (09022015). Collection method: clinical testing. Allele origin: germline.
Comment: This sequence change replaces threonine, which is neutral and polar, with isoleucine, which is neutral and non-polar, at codon 764 of the RFWD3 protein (p.Thr764Ile). This variant is present in population databases (rs200352169, gnomAD 0.0009%). This variant has not been reported in the literature in individuals affected with RFWD3-related conditions. An algorithm developed to predict the effect of missense changes on protein structure and function (PolyPhen-2) suggests that this variant is likely to be disruptive. In summary, the available evidence is currently insufficient to determine the role of this variant in disease. Therefore, it has been classified as a Variant of Uncertain Significance.